The following is an entry in ClinVar:

NM_201384.3(PLEC):c.5625C>A (p.Phe1875Leu)

Gene: PLEC (plectin; minus strand). Cytogenetic location: 8q24.3.
Variant type: single nucleotide variant.
Coding change: c.5625C>A on transcript NM_201384.3 (MANE Select); coding-DNA position 5625, C replaced by A.
Protein change: p.Phe1875Leu; replaces phenylalanine 1875 with leucine.
Molecular consequence: missense variant.
Genome position (GRCh38, 1-based): chr8:143,924,304, G>T on the plus strand (C>A on the coding strand, the complement: PLEC is on the minus strand). VCF-style: chr8-143924304-G-T. GRCh37 (hg19) VCF-style: chr8-144998472-G-T.
Other names: c.5529C>A, p.Phe1843Leu (NM_201381.3); c.5625C>A, p.Phe1875Leu (NM_201382.4); c.5637C>A, p.Phe1879Leu (NM_201383.3); c.5706C>A, p.Phe1902Leu (NM_000445.5); c.5583C>A, p.Phe1861Leu (NM_201378.4); c.5559C>A, p.Phe1853Leu (NM_201379.3); c.6036C>A, p.Phe2012Leu (NM_201380.4); short protein forms F1861L, F1875L, F1902L, F2012L, F1843L, F1879L, F1853L.
Identifiers: ClinVar variation 649089 (VCV000649089.8), dbSNP rs541366603, ClinGen allele CA4926294.

ClinVar aggregate classification (germline): Uncertain significance. Review status: criteria provided, multiple submitters, no conflicts (2 of 4 stars). 2 submissions from 2 submitters: Uncertain significance (2). Last evaluated 2024-06-28.

Conditions:
Epidermolysis bullosa simplex, Ogna type (EBS5A). Also called: Pidermolysis bullosa simplex 5A, Ogna type; EPIDERMOLYSIS BULLOSA SIMPLEX 5A, OGNA TYPE. Identifiers: Orphanet 79401, MedGen C0432317, MONDO:0007555, OMIM 131950.
Epidermolysis bullosa simplex 5C, with pyloric atresia (EBS5C). Also called: Epidermolysis bullosa simplex with pyloric atresia; PLEC-Related Epidermolysis Bullosa with Pyloric Atresia; PLEC1-Related Epidermolysis Bullosa with Pyloric Atresia. Identifiers: Orphanet 158684, MedGen C2677349, MONDO:0012807, OMIM 612138.
Epidermolysis bullosa simplex with nail dystrophy (EBS5D). Identifiers: MedGen C4225309, MONDO:0014661, OMIM 616487.
Epidermolysis bullosa simplex 5B, with muscular dystrophy (EBS5B). Also called: EPIDERMOLYSIS BULLOSA SIMPLEX AND LIMB-GIRDLE MUSCULAR DYSTROPHY; Epidermolysis bullosa simplex with muscular dystrophy. Identifiers: Orphanet 257, MedGen C2931072, MONDO:0009181, OMIM 226670.
Autosomal recessive limb-girdle muscular dystrophy type 2Q (LGMDR17). Also called: MUSCULAR DYSTROPHY, LIMB-GIRDLE, AUTOSOMAL RECESSIVE 17. Identifiers: Orphanet 254361, MedGen C3150989, MONDO:0013390, OMIM 613723.

Allele frequency attached by ClinVar (database versions not stated): ExAC 0.00007.
gnomAD v4.1: 32 of 1,595,020 alleles (0.002%); highest among the groups gnomAD compares: South Asian, 0.035%; 1 homozygote.

Submissions (2):

Revvity Omics, Revvity
Classification: Uncertain significance. Last evaluated: 2024-06-28. Review status: criteria provided, single submitter. Criteria: ACMG Guidelines, 2015. Collection method: clinical testing. Allele origin: germline.

Labcorp Genetics (formerly Invitae), Labcorp
Classification: Uncertain significance for Autosomal recessive limb-girdle muscular dystrophy type 2Q; Epidermolysis bullosa simplex, Ogna type; Epidermolysis bullosa simplex with nail dystrophy; Epidermolysis bullosa simplex 5C, with pyloric atresia; Epidermolysis bullosa simplex 5B, with muscular dystrophy. Last evaluated: 2021-02-18. Review status: criteria provided, single submitter. Criteria: Invitae Variant Classification Sherloc (09022015). Collection method: clinical testing. Allele origin: germline.
Comment: Algorithms developed to predict the effect of missense changes on protein structure and function are either unavailable or do not agree on the potential impact of this missense change (SIFT: "Deleterious"; PolyPhen-2: "Not Available"; Align-GVGD: "Class C0"). This variant has not been reported in the literature in individuals with PLEC-related disease. In summary, the available evidence is currently insufficient to determine the role of this variant in disease. Therefore, it has been classified as a Variant of Uncertain Significance. This variant is present in population databases (rs541366603, ExAC 0.05%). This sequence change replaces phenylalanine with leucine at codon 1902 of the PLEC protein (p.Phe1902Leu). The phenylalanine residue is moderately conserved and there is a small physicochemical difference between phenylalanine and leucine.